The following is an entry in ClinVar:

NM_000059.4(BRCA2):c.1700_1701del (p.Thr567fs)

Gene: BRCA2 (BRCA2 DNA repair associated; plus strand). Cytogenetic location: 13q13.1.
Variant type: Deletion.
Coding change: c.1700_1701del on transcript NM_000059.4 (MANE Select); coding-DNA positions 1700 to 1701, 2 bases deleted (CC; older notation c.1700_1701delCC).
Protein change: p.Thr567fs; shifts the reading frame from threonine 567.
Molecular consequence: frameshift variant. On other transcripts: non-coding transcript variant (1), intron variant (1).
Genome position (GRCh38, 1-based): chr13:32,333,178-32,333,179, CC deleted. VCF-style (leftmost placement, unchanged base first): chr13-32333177-ACC-A. GRCh37 (hg19) VCF-style: chr13-32907314-ACC-A.
Other names: c.1700_1701del, p.Thr567fs (NM_001406719.1, NM_001406720.1, NM_001406721.1 and 1 more transcripts); c.424+2148_424+2149del (NM_001406722.1); short protein forms T567fs.
Identifiers: ClinVar variation 4812988 (VCV004812988.1).
Genomic context (GRCh38, chr13:32,333,177, plus strand): 5'-TCACAGAAGGAGGACTCCTTATGTCCAAATTTAATTGATAATGGAAGCTGGCCAGCCACC[ACC>A]ACACAGAATTCTGTAGCTTTGAAGAATGCAGGTTTAATATCCACTTTGAAAAAGAAAACA-3'

ClinVar aggregate classification (germline): Pathogenic (1 of 4 stars; one submission).

Conditions:
Breast-ovarian cancer, familial, susceptibility to, 2 (BROVCA2). Also called: BRCA2 Hereditary Breast and Ovarian Cancer. Identifiers: Orphanet 145, MedGen C2675520, MONDO:0012933, OMIM 612555. Disease mechanism: loss of function.

Submission:

Myriad Genetics, Inc.
Classification: Pathogenic for Breast-ovarian cancer, familial, susceptibility to, 2. Last evaluated: 2025-11-12. Review status: criteria provided, single submitter. Criteria: Myriad Autosomal Dominant, Autosomal Recessive and X-Linked Classification Criteria (2023). Collection method: clinical testing. Allele origin: unknown.
Comment: This variant is considered pathogenic. This variant creates a frameshift predicted to result in premature protein truncation.